The following is an entry in ClinVar:

ClinVar aggregate classification (germline): Uncertain significance (1 of 4 stars; one submission).

Conditions:
Cryopyrin associated periodic syndrome (CAPS). Identifiers: Orphanet 208650, MedGen C2316212, MONDO:0016168.

Allele frequency attached by ClinVar (database versions not stated): ExAC 0.00001; gnomAD exomes 0.00002.

Submission:

Labcorp Genetics (formerly Invitae), Labcorp
Classification: Uncertain significance for Cryopyrin associated periodic syndrome. Last evaluated: 2022-03-14. Review status: criteria provided, single submitter. Criteria: Invitae Variant Classification Sherloc (09022015). Collection method: clinical testing. Allele origin: germline.
Comment: This missense change has been observed in individual(s) with systemic autoinflammatory disease (PMID: 31155445). This variant is also known as M116I. Algorithms developed to predict the effect of missense changes on protein structure and function output the following: SIFT: "Tolerated"; PolyPhen-2: "Benign"; Align-GVGD: "Class C0". The isoleucine amino acid residue is found in multiple mammalian species, which suggests that this missense change does not adversely affect protein function. In summary, the available evidence is currently insufficient to determine the role of this variant in disease. Therefore, it has been classified as a Variant of Uncertain Significance. This variant is present in population databases (rs201017333, gnomAD 0.02%). This sequence change replaces methionine, which is neutral and non-polar, with isoleucine, which is neutral and non-polar, at codon 118 of the NLRP3 protein (p.Met118Ile).

Literature cited by the submitters: PubMed 31155445.

NM_001243133.2(NLRP3):c.348G>A (p.Met116Ile)

Gene: NLRP3 (NLR family pyrin domain containing 3; plus strand). Cytogenetic location: 1q44.
Variant type: single nucleotide variant.
Coding change: c.348G>A on transcript NM_001243133.2 (MANE Select); coding-DNA position 348, G replaced by A.
Protein change: p.Met116Ile; replaces methionine 116 with isoleucine.
Molecular consequence: missense variant.
Genome position (GRCh38, 1-based): chr1:247,423,300, G>A. VCF-style: chr1-247423300-G-A. GRCh37 (hg19) VCF-style: chr1-247586602-G-A.
Other names: c.348G>A, p.Met116Ile (NM_001079821.3, NM_001127461.3, NM_001127462.3 and 1 more transcripts); c.354G>A, p.Met118Ile (NM_004895.5); short protein forms M116I, M118I.
Identifiers: ClinVar variation 2418865 (VCV002418865.6), dbSNP rs201017333, ClinGen allele CA1494827.